The following is an entry in ClinVar:

NM_005076.5(CNTN2):c.1028A>G (p.Asn343Ser)

Gene: CNTN2 (contactin 2; plus strand). Cytogenetic location: 1q32.1.
Variant type: single nucleotide variant.
Coding change: c.1028A>G on transcript NM_005076.5 (MANE Select); coding-DNA position 1028, A replaced by G.
Protein change: p.Asn343Ser; replaces asparagine 343 with serine.
Molecular consequence: missense variant. On other transcripts: non-coding transcript variant (1).
Genome position (GRCh38, 1-based): chr1:205,061,919, A>G. VCF-style: chr1-205061919-A-G. GRCh37 (hg19) VCF-style: chr1-205031047-A-G.
Other names: c.1028A>G, p.Asn343Ser (NM_001346083.2); short protein forms N343S.
Identifiers: ClinVar variation 855756 (VCV000855756.6), dbSNP rs758929116, ClinGen allele CA344410260.

ClinVar aggregate classification (germline): Uncertain significance. Review status: criteria provided, multiple submitters, no conflicts (2 of 4 stars). 2 submissions from 2 submitters: Uncertain significance (2). Last evaluated 2025-05-15.

Conditions:
Epilepsy, familial adult myoclonic, 5 (EPEO5). Also called: CORTICAL MYOCLONIC TREMOR WITH EPILEPSY, FAMILIAL, 5. Identifiers: Orphanet 86814, MedGen C3809374, MONDO:0014167, OMIM 615400.

Allele frequency attached by ClinVar (database versions not stated): gnomAD exomes 0.00001; gnomAD 0.00001; TOPMed 0.00001.
gnomAD v4.1: 10 of 1,599,746 alleles (0.00063%); highest among the groups gnomAD compares: Admixed American, 0.0052%; no homozygotes.

Submissions (2):

Ambry Genetics
Classification: Uncertain significance. Last evaluated: 2025-05-15. Review status: criteria provided, single submitter. Criteria: Ambry Variant Classification Scheme 2023. Collection method: clinical testing. Allele origin: germline.

Labcorp Genetics (formerly Invitae), Labcorp
Classification: Uncertain significance for Epilepsy, familial adult myoclonic, 5. Last evaluated: 2022-07-11. Review status: criteria provided, single submitter. Criteria: Invitae Variant Classification Sherloc (09022015). Collection method: clinical testing. Allele origin: germline.
Comment: This sequence change replaces asparagine, which is neutral and polar, with serine, which is neutral and polar, at codon 343 of the CNTN2 protein (p.Asn343Ser). This variant is present in population databases (no rsID available, gnomAD 0.003%). This variant has not been reported in the literature in individuals affected with CNTN2-related conditions. ClinVar contains an entry for this variant (Variation ID: 855756). Advanced modeling of protein sequence and biophysical properties (such as structural, functional, and spatial information, amino acid conservation, physicochemical variation, residue mobility, and thermodynamic stability) performed at Invitae indicates that this missense variant is not expected to disrupt CNTN2 protein function. Algorithms developed to predict the effect of sequence changes on RNA splicing suggest that this variant may create or strengthen a splice site. In summary, the available evidence is currently insufficient to determine the role of this variant in disease. Therefore, it has been classified as a Variant of Uncertain Significance.